The following is an entry in ClinVar:

ClinVar aggregate classification (germline): Uncertain significance (1 of 4 stars; one submission).

Allele frequency attached by ClinVar (database versions not stated): gnomAD exomes below 0.00001.
gnomAD v4.1: 2 of 1,535,302 alleles (0.00013%); highest among the groups gnomAD compares: Non-Finnish European, 0.00017%; no homozygotes.

Submission:

Labcorp Genetics (formerly Invitae), Labcorp
Classification: Uncertain significance. Last evaluated: 2022-06-10. Review status: criteria provided, single submitter. Criteria: Invitae Variant Classification Sherloc (09022015). Collection method: clinical testing. Allele origin: germline.
Comment: In summary, the available evidence is currently insufficient to determine the role of this variant in disease. Therefore, it has been classified as a Variant of Uncertain Significance. Algorithms developed to predict the effect of missense changes on protein structure and function output the following: SIFT: "Tolerated"; PolyPhen-2: "Not Available"; Align-GVGD: "Class C0". The serine amino acid residue is found in multiple mammalian species, which suggests that this missense change does not adversely affect protein function. This variant has not been reported in the literature in individuals affected with PDZD7-related conditions. This variant is not present in population databases (gnomAD no frequency). This sequence change replaces alanine, which is neutral and non-polar, with serine, which is neutral and polar, at codon 697 of the PDZD7 protein (p.Ala697Ser).

NM_001195263.2(PDZD7):c.2089G>T (p.Ala697Ser)

Gene: PDZD7 (PDZ domain containing 7; minus strand). Cytogenetic location: 10q24.31.
Variant type: single nucleotide variant.
Coding change: c.2089G>T on transcript NM_001195263.2 (MANE Select); coding-DNA position 2089, G replaced by T.
Protein change: p.Ala697Ser; replaces alanine 697 with serine.
Molecular consequence: missense variant.
Genome position (GRCh38, 1-based): chr10:101,010,800, C>A on the plus strand (G>T on the coding strand, the complement: PDZD7 is on the minus strand). VCF-style: chr10-101010800-C-A. GRCh37 (hg19) VCF-style: chr10-102770557-C-A.
Other names: short protein forms A697S.
Identifiers: ClinVar variation 1932955 (VCV001932955.5), dbSNP rs1852370267, ClinGen allele CA378225277.